The following is an entry in ClinVar:

ClinVar aggregate classification (germline): Likely pathogenic (1 of 4 stars; one submission).

Conditions:
Hereditary cancer-predisposing syndrome. Also called: Tumor predisposition; Neoplastic Syndromes, Hereditary; Hereditary Cancer Syndrome; Hereditary neoplastic syndrome. Identifiers: Orphanet 140162, MedGen C0027672, MeSH D009386, MONDO:0015356.

Submission:

Ambry Genetics
Classification: Likely pathogenic for Hereditary cancer-predisposing syndrome. Last evaluated: 2025-08-15. Review status: criteria provided, single submitter. Criteria: Ambry Variant Classification Scheme 2023. Collection method: clinical testing. Allele origin: germline.
Comment: The p.T452P variant (also known as c.1354A>C), located in coding exon 14 of the MUTYH gene, results from an A to C substitution at nucleotide position 1354. The threonine at codon 452 is replaced by proline, an amino acid with highly similar properties. In a massively parallel cell-based functional assay testing 7,8-dihydro-8-oxoguanine:adenine (8OG:A) repair activity, a byproduct of oxidative damage, this variant was reported to be non-functional (Hemker SL et al. Am J Hum Genet. Published online July 29, 2025. DOI: 10.1016/j.ajhg.2025.07.005). This amino acid position is highly conserved in available vertebrate species. In addition, this alteration is predicted to be deleterious by in silico analysis. This variant is considered to be rare based on population cohorts in the Genome Aggregation Database (gnomAD). Based on the majority of available evidence to date, this variant is likely to be pathogenic.

Literature cited by the submitters: PubMed 40738107.

NM_001048174.2(MUTYH):c.1270A>C (p.Thr424Pro)

Gene: MUTYH (mutY DNA glycosylase; minus strand). Cytogenetic location: 1p34.1.
Variant type: single nucleotide variant.
Coding change: c.1270A>C on transcript NM_001048174.2 (MANE Select); coding-DNA position 1270, A replaced by C.
Protein change: p.Thr424Pro; replaces threonine 424 with proline.
Molecular consequence: missense variant. On other transcripts: non-coding transcript variant (7).
Genome position (GRCh38, 1-based): chr1:45,331,304, T>G on the plus strand (A>C on the coding strand, the complement: MUTYH is on the minus strand). VCF-style: chr1-45331304-T-G. GRCh37 (hg19) VCF-style: chr1-45796976-T-G.
Other names: c.1273A>C, p.Thr425Pro (NM_001048172.2, NM_001407071.1, NM_001407078.1 and 1 more transcripts); c.1270A>C, p.Thr424Pro (NM_001048173.2, NM_001048171.2, NM_001293195.2 and 6 more transcripts); c.1354A>C, p.Thr452Pro (NM_001128425.2); c.1315A>C, p.Thr439Pro (NM_001293190.2); c.1303A>C, p.Thr435Pro (NM_001293191.2, NM_001407069.1, NM_001407077.1); c.994A>C, p.Thr332Pro (NM_001293192.2, NM_001293196.2, NM_001407091.1); c.925A>C, p.Thr309Pro (NM_001350650.2, NM_001350651.2, NM_001407082.1); c.1186A>C, p.Thr396Pro (NM_001407075.1); and 5 more; short protein forms T332P, T410P, T424P, T452P, T396P, T435P, T309P, T425P.
Identifiers: ClinVar variation 3875930 (VCV003875930.2).